The following is an entry in ClinVar:

NM_001368894.2(PAX6):c.537_541dup (p.Ser181Ter)

Gene: PAX6 (paired box 6; minus strand). Cytogenetic location: 11p13.
Variant type: Duplication.
Coding change: c.537_541dup on transcript NM_001368894.2 (MANE Select); coding-DNA positions 537 to 541, 5 bases duplicated (GACTT; older notation c.537_541dupGACTT).
Protein change: p.Ser181Ter; replaces serine 181 with a stop codon.
Molecular consequence: nonsense. On other transcripts: non-coding transcript variant (2).
Genome position (GRCh38, 1-based): chr11:31,800,715-31,800,719, AAGTC duplicated on the plus strand (GACTT on the coding strand, the reverse complement: PAX6 is on the minus strand). VCF-style (leftmost placement, unchanged base first): chr11-31800714-G-GAAGTC. GRCh37 (hg19) VCF-style: chr11-31822262-G-GAAGTC.
Other names: c.495_499dup, p.Ser167Ter (NM_001368888.2, NM_001368889.2, NM_001368890.2 and 10 more transcripts); c.537_541dup, p.Ser181Ter (NM_001368892.2, NM_001368893.2, NM_001258462.3 and 6 more transcripts); c.87_91dup, p.Ser31Ter (NM_001368899.2, NM_001368900.2, NM_001368901.2 and 11 more transcripts); c.738_742dup, p.Ser248Ter (NM_001368910.2); c.540_544dup, p.Ser182Ter (NM_001368911.2); c.612_616dup, p.Ser206Ter (NM_001368918.2, NM_001368919.2); c.570_574dup, p.Ser192Ter (NM_001368920.2); c.336_340dup, p.Ser114Ter (NM_001368921.2, NM_001368922.2, NM_001368923.2 and 4 more transcripts); and 1 more; short protein forms S100*, S114*, S167*, S181*, S182*, S192*, S206*, S248*.
Identifiers: ClinVar variation 1342028 (VCV001342028.4), dbSNP rs2135040318, ClinGen allele CA2573053492.
Genomic context (GRCh38, chr11:31,800,714, plus strand): 5'-ATATGGAGAGCTGCGTGGATGGCTGCTTGGGTTTTACCTTGCGTAGGTTGCCCTGGCACC[G>GAAGTC]AAGTCCCCGGATACCAACCAGGGCGGGTGCCCCAGCTTCCGGTCTGCCCGTTCAACATCC-3'

ClinVar aggregate classification (germline): Pathogenic (1 of 4 stars; one submission).

Submission:

GeneDx
Classification: Pathogenic. Last evaluated: 2023-05-04. Review status: criteria provided, single submitter. Criteria: GeneDx Variant Classification Process June 2021. Collection method: clinical testing. Allele origin: germline. Affected: yes.
Comment: Nonsense variant predicted to result in protein truncation or nonsense mediated decay in a gene for which loss-of-function is a known mechanism of disease; Not observed at significant frequency in large population cohorts (gnomAD); Has not been previously published as pathogenic or benign to our knowledge